The following is an entry in ClinVar:

NM_001042492.3(NF1):c.4836-21063C>G

Genes: EVI2B (ecotropic viral integration site 2B; minus strand), NF1 (neurofibromin 1; plus strand). Cytogenetic location: 17q11.2.
Variant type: single nucleotide variant.
Coding change: c.4836-21063C>G on transcript NM_001042492.3 (MANE Select); 21063 bases into the intron before coding-DNA position 4836, C replaced by G.
Molecular consequence: intron variant. On other transcripts: missense variant (1).
Genome position (GRCh38, 1-based): chr17:31,304,757, C>G. VCF-style: chr17-31304757-C-G. GRCh37 (hg19) VCF-style: chr17-29631775-C-G.
Other names: c.853G>C, p.Asp285His (NM_006495.4); c.4773-21063C>G (NM_000267.4); short protein forms D285H.
Identifiers: ClinVar variation 2570984 (VCV002570984.27), dbSNP rs113483471, ClinGen allele CA8486734.

ClinVar aggregate classification (germline): Likely benign (1 of 4 stars; one submission).

Allele frequency attached by ClinVar (database versions not stated): ExAC 0.00124; gnomAD 0.00381; ESP Exome Variant Server 0.00392; 1000 Genomes Project 30x 0.00422; TOPMed 0.00450; 1000 Genomes Project 0.00459.
gnomAD v4.1: 1,198 of 1,614,152 alleles (0.074%); highest among the groups gnomAD compares: African/African-American, 1.3%; 6 homozygotes.

Submission:

CeGaT Center for Human Genetics Tuebingen
Classification: Likely benign. Last evaluated: 2026-09-01. Review status: criteria provided, single submitter. Criteria: CeGaT Center For Human Genetics Tuebingen Variant Classification Criteria Version 2. Collection method: clinical testing. Allele origin: germline. Affected: yes. Observed: 6 variant alleles.
Comment: NF1: BS1